The following is an entry in ClinVar:

NM_000092.5(COL4A4):c.2138G>A (p.Gly713Glu)

Gene: COL4A4 (collagen type IV alpha 4 chain; minus strand). Cytogenetic location: 2q36.3.
Variant type: single nucleotide variant.
Coding change: c.2138G>A on transcript NM_000092.5 (MANE Select); coding-DNA position 2138, G replaced by A.
Protein change: p.Gly713Glu; replaces glycine 713 with glutamic acid.
Molecular consequence: missense variant.
Genome position (GRCh38, 1-based): chr2:227,060,162, C>T on the plus strand (G>A on the coding strand, the complement: COL4A4 is on the minus strand). VCF-style: chr2-227060162-C-T. GRCh37 (hg19) VCF-style: chr2-227924878-C-T.
Other names: short protein forms G713E.
Identifiers: ClinVar variation 3366680 (VCV003366680.1).

ClinVar aggregate classification (germline): Uncertain significance (1 of 4 stars; one submission).

Submission:

Women's Health and Genetics/Laboratory Corporation of America, LabCorp
Classification: Uncertain significance. Last evaluated: 2024-08-21. Review status: criteria provided, single submitter. Criteria: LabCorp Variant Classification Summary - May 2015. Collection method: clinical testing. Allele origin: germline.
Comment: Variant summary: COL4A4 c.2138G>A (p.Gly713Glu) results in a non-conservative amino acid change in the encoded protein sequence. Four of five in-silico tools predict a damaging effect of the variant on protein function. The variant was absent in 246660 control chromosomes. The available data on variant occurrences in the general population are insufficient to allow any conclusion about variant significance. To our knowledge, no occurrence of c.2138G>A in individuals affected with Alport Syndrome, Autosomal Recessive and no experimental evidence demonstrating its impact on protein function have been reported. No submitters have cited clinical-significance assessments for this variant to ClinVar. Based on the evidence outlined above, the variant was classified as uncertain significance.